The following is an entry in ClinVar:

ClinVar aggregate classification (germline): Conflicting classifications of pathogenicity. Review status: criteria provided, conflicting classifications (1 of 4 stars). 25 submissions from 25 submitters: Uncertain significance (1); Benign (6); Likely benign (11). 7 of the submissions do not count toward it. Last evaluated 2026-09-01.

Conditions:
Juvenile polyposis syndrome (JPS). Identifiers: Orphanet 2929, MedGen C0345893, MONDO:0017380, OMIM 174900.
Gastrointestinal polyposis. Identifiers: MedGen CN221591.
Hereditary cancer-predisposing syndrome. Also called: Neoplastic Syndromes, Hereditary; Hereditary neoplastic syndrome; Hereditary Cancer Syndrome; Tumor predisposition. Identifiers: Orphanet 140162, MedGen C0027672, MeSH D009386, MONDO:0015356.
Generalized juvenile polyposis/juvenile polyposis coli. Also called: Juvenile polyposis coli. Identifiers: Orphanet 329971, MedGen C1868081, MONDO:0008276.
Malignant tumor of breast. Also called: Malignant breast neoplasm; Cancer breast. Identifiers: MedGen C0006142, MONDO:0007254. Disease mechanism: loss of function.

Allele frequency attached by ClinVar (database versions not stated): ESP Exome Variant Server 0.00046; gnomAD exomes 0.00089 and 0.00045; 1000 Genomes Project 0.00040; gnomAD 0.00051 and 0.00055; TOPMed 0.00066; ExAC 0.00068; 1000 Genomes Project 30x 0.00031.

Submissions 1 to 21 of 25:

CeGaT Center for Human Genetics Tuebingen
Classification: Likely benign. Last evaluated: 2026-09-01. Review status: criteria provided, single submitter. Criteria: CeGaT Center For Human Genetics Tuebingen Variant Classification Criteria Version 2. Collection method: clinical testing. Allele origin: germline. Affected: yes. Observed: 24 variant alleles.
Comment: BMPR1A: PP3, BS1

Labcorp Genetics (formerly Invitae), Labcorp
Classification: Benign for Juvenile polyposis syndrome. Last evaluated: 2026-02-03. Review status: criteria provided, single submitter. Criteria: Invitae Variant Classification Sherloc (09022015). Collection method: clinical testing. Allele origin: germline.

Center for Genomic Medicine, Rigshospitalet, Copenhagen University Hospital
Classification: Likely benign. Last evaluated: 2025-03-04. Review status: criteria provided, single submitter. Criteria: ACMG Guidelines, 2015. Collection method: clinical testing. Allele origin: germline.

Myriad Genetics, Inc.
Classification: Benign for Juvenile polyposis syndrome. Last evaluated: 2025-01-23. Review status: criteria provided, single submitter. Criteria: Myriad Autosomal Dominant, Autosomal Recessive and X-Linked Classification Criteria (2023). Collection method: clinical testing. Allele origin: unknown.
Comment: This variant is considered benign. Homozygosity has been confirmed in one or more individuals. As homozygosity for pathogenic variants in this gene is generally assumed to result in embryonic lethality, this variant is unlikely to be pathogenic. This variant has been observed at a population frequency that is significantly greater than expected given the associated disease prevalence and penetrance.

Blueprint Genetics
Classification: Likely benign. Last evaluated: 2024-11-25. Review status: criteria provided, single submitter. Criteria: ACMG Guidelines, 2015. Collection method: clinical testing. Allele origin: germline.

All of Us Research Program, National Institutes of Health
Classification: Likely benign for Juvenile polyposis syndrome. Last evaluated: 2024-09-27. Review status: criteria provided, single submitter. Criteria: ACMG Guidelines, 2015. Collection method: clinical testing. Allele origin: germline. Inheritance: Autosomal dominant inheritance. Observed: 333 variant alleles, 332 heterozygotes, 1 homozygote.
Comment: This study involves interpretation of variants in research participants for the purpose of population health screening. Participant phenotype was not available at the time of variant classification. Additional details can be found in publication PMID: 35346344, PMCID: PMC8962531

ARUP Laboratories, Molecular Genetics and Genomics, ARUP Laboratories
Classification: Likely benign. Last evaluated: 2023-09-14. Review status: criteria provided, single submitter. Criteria: ARUP Molecular Germline Variant Investigation Process 2024. Collection method: clinical testing. Allele origin: germline.

GeneDx
Classification: Likely benign. Last evaluated: 2020-11-30. Review status: criteria provided, single submitter. Criteria: GeneDx Variant Classification Process June 2021. Collection method: clinical testing. Allele origin: germline. Affected: yes.
Comment: This variant is associated with the following publications: (PMID: 27621404, 25722345, 27878467, 24728327, 25637381, 25980754, 22703879, 23399955, 25801821, 27153395, 27884173, 24448499, 30680046)

Sema4
Classification: Benign for Hereditary cancer-predisposing syndrome. Last evaluated: 2020-07-28. Review status: criteria provided, single submitter. Criteria: Sema4 Curation Guidelines. Collection method: curation. Allele origin: germline.

Genomic Research Center, Shahid Beheshti University of Medical Sciences
Classification: Benign. Last evaluated: 2020-05-03. Review status: criteria provided, single submitter. Criteria: ACMG Guidelines, 2015. Collection method: clinical testing. Allele origin: unknown. Affected: yes.

Genetic Services Laboratory, University of Chicago
Classification: Likely benign. Last evaluated: 2020-01-13. Review status: criteria provided, single submitter. Criteria: ACMG Guidelines, 2015. Collection method: clinical testing. Allele origin: germline. Affected: no.

Mendelics
Classification: Benign for Juvenile polyposis syndrome. Last evaluated: 2019-05-28. Review status: criteria provided, single submitter. Criteria: Mendelics Assertion Criteria 2017. Collection method: clinical testing. Allele origin: unknown.

Ambry Genetics
Classification: Likely benign for Hereditary cancer-predisposing syndrome. Last evaluated: 2018-10-31. Review status: criteria provided, single submitter. Criteria: Ambry Variant Classification Scheme 2023. Collection method: clinical testing. Allele origin: germline.

Illumina Laboratory Services, Illumina
Classification: Likely benign for Juvenile polyposis syndrome. Last evaluated: 2018-06-12. Review status: criteria provided, single submitter. Criteria: ICSL Variant Classification Criteria 13 December 2019. Collection method: clinical testing. Allele origin: germline.
Comment: This variant was observed as part of a predisposition screen in an ostensibly healthy population. A literature search was performed for the gene, cDNA change, and amino acid change (where applicable). Publications were found based on this search. The evidence from the literature, in combination with allele frequency data from public databases where available, was sufficient to determine this variant is unlikely to cause disease. Therefore, this variant is classified as likely benign.

PreventionGenetics, part of Exact Sciences
Classification: Likely benign. Last evaluated: 2017-12-27. Review status: criteria provided, single submitter. Criteria: ACMG Guidelines, 2015. Collection method: clinical testing. Allele origin: germline.

Laboratory for Molecular Medicine, Mass General Brigham Personalized Medicine
Classification: Uncertain significance. Last evaluated: 2016-10-31. Review status: criteria provided, single submitter. Criteria: LMM Criteria. Collection method: clinical testing. Allele origin: germline.
Comment: Variant identified in a genome or exome case(s) and assessed due to predicted null impact of the variant or pathogenic assertions in the literature or databases. Disclaimer: This variant has not undergone full assessment. The following are preliminary notes: This variant is present in HGMD in 5 papers, with comments suggesting likely benign. The variant is present in ExAC at a Max MAF of 0.11% and at 1.6% (165) of Ashkenazi alleles in gnomAD - frequency too high for disease. It is classified as Likely Benign by 4 submitters (GeneDx, Invitae, Ambry, CSER_CC_NCGL) and as VUS by Biesecker lab.

Women's Health and Genetics/Laboratory Corporation of America, LabCorp
Classification: Benign. Last evaluated: 2016-09-02. Review status: criteria provided, single submitter. Criteria: LabCorp Variant Classification Summary - May 2015. Collection method: clinical testing. Allele origin: germline.
Comment: Variant summary: The BMPR1A c.1243G>A (p.Glu415Lys) variant involves the alteration of a conserved nucleotide. Glu415Lys occurs at a position that is conserved across mammals and is located in the protein kinase domain, and 4/5 in silico tools predict a damaging outcome for this variant. This variant was found in 87/122544 control chromosomes, predominantly observed in the European (Non-Finnish) subpopulation at a frequency of 0.0011238 (75/66740). This frequency is about 562 times the estimated maximal expected allele frequency of a pathogenic BMPR1A variant (0.000002), suggesting this is likely a benign polymorphism found primarily in the populations of European (Non-Finnish) origin. This variant was also observed in three individuals with a history of moderate-load polyposis; reported pathology included hyperplastic, hamartomatous, juvenile and adenomatous polyps (Ngeow 2013); and in one individual undergoing hereditary panel testing for a personal and/or family history suspicious for Lynch syndrome (Yurgelun 2015). In addition, multiple clinical diagnostic laboratories/reputable databases classified this variant as uncertain significance or likely benign. Taken together and based on the prevalence in the general population, this variant is classified as benign.

Color Diagnostics, LLC DBA Color Health
Classification: Likely benign for Hereditary cancer-predisposing syndrome. Last evaluated: 2016-05-19. Review status: criteria provided, single submitter. Criteria: ACMG Guidelines, 2015. Collection method: clinical testing. Allele origin: germline.

Counsyl
Classification: Likely benign for Juvenile polyposis syndrome. Last evaluated: 2018-03-12. Review status: no assertion criteria provided. Collection method: clinical testing. Allele origin: unknown. Not counted in ClinVar's aggregate classification.

Mayo Clinic Laboratories, Mayo Clinic
Classification: Likely benign. Last evaluated: 2018-01-24. Review status: no assertion criteria provided. Collection method: clinical testing. Allele origin: unknown. Not counted in ClinVar's aggregate classification.

True Health Diagnostics
Classification: Likely benign for Hereditary cancer-predisposing syndrome. Last evaluated: 2017-09-13. Review status: no assertion criteria provided. Collection method: clinical testing. Allele origin: germline. Not counted in ClinVar's aggregate classification.

NM_004329.3(BMPR1A):c.1243G>A (p.Glu415Lys)

Gene: BMPR1A (bone morphogenetic protein receptor type 1A; plus strand). Cytogenetic location: 10q23.2.
Variant type: single nucleotide variant.
Coding change: c.1243G>A on transcript NM_004329.3 (MANE Select); coding-DNA position 1243, G replaced by A.
Protein change: p.Glu415Lys; replaces glutamic acid 415 with lysine.
Molecular consequence: missense variant.
Genome position (GRCh38, 1-based): chr10:86,921,596, G>A. VCF-style: chr10-86921596-G-A. GRCh37 (hg19) VCF-style: chr10-88681353-G-A.
Other names: p.E415K:GAA>AAA; short protein forms E415K.
Identifiers: ClinVar variation 41779 (VCV000041779.77), dbSNP rs140592056, ClinGen allele CA157459.